The following is an entry in ClinVar:

ClinVar aggregate classification (germline): Uncertain significance (1 of 4 stars; one submission).

Conditions:
Partial hypoxanthine-guanine phosphoribosyltransferase deficiency. Also called: GOUT, HPRT-RELATED; HPRT DEFICIENCY, PARTIAL; HYPOXANTHINE GUANINE PHOSPHORIBOSYLTRANSFERASE 1 DEFICIENCY, PARTIAL; Kelley-Seegmiller Syndrome; HPRT1 DEFICIENCY, PARTIAL. Identifiers: Orphanet 79233, MedGen C0268117, MONDO:0010299, OMIM 300323.
Lesch-Nyhan syndrome (LNS). Also called: HPRT DEFICIENCY, COMPLETE; Lesch-Nyhan Disease (LND). Identifiers: Orphanet 510, MedGen C0023374, MONDO:0010298, OMIM 300322.

Submission:

Labcorp Genetics (formerly Invitae), Labcorp
Classification: Uncertain significance for Lesch-Nyhan syndrome; Partial hypoxanthine-guanine phosphoribosyltransferase deficiency. Last evaluated: 2023-01-13. Review status: criteria provided, single submitter. Criteria: Invitae Variant Classification Sherloc (09022015). Collection method: clinical testing. Allele origin: germline.
Comment: In summary, the available evidence is currently insufficient to determine the role of this variant in disease. Therefore, it has been classified as a Variant of Uncertain Significance. Algorithms developed to predict the effect of sequence changes on RNA splicing suggest that this variant may create or strengthen a splice site. Algorithms developed to predict the effect of missense changes on protein structure and function are either unavailable or do not agree on the potential impact of this missense change (SIFT: "Deleterious"; PolyPhen-2: "Benign"; Align-GVGD: "Class C0"). This variant has not been reported in the literature in individuals affected with HPRT1-related conditions. This sequence change replaces serine, which is neutral and polar, with arginine, which is basic and polar, at codon 209 of the HPRT1 protein (p.Ser209Arg). This variant is not present in population databases (gnomAD no frequency).

NM_000194.3(HPRT1):c.627T>G (p.Ser209Arg)

Gene: HPRT1 (hypoxanthine phosphoribosyltransferase 1; plus strand). Cytogenetic location: Xq26.3.
Variant type: single nucleotide variant.
Coding change: c.627T>G on transcript NM_000194.3 (MANE Select); coding-DNA position 627, T replaced by G.
Protein change: p.Ser209Arg; replaces serine 209 with arginine.
Molecular consequence: missense variant.
Genome position (GRCh38, 1-based): chrX:134,500,047, T>G. VCF-style: chrX-134500047-T-G. GRCh37 (hg19) VCF-style: chrX-133634077-T-G.
Other names: short protein forms S209R.
Identifiers: ClinVar variation 2943165 (VCV002943165.3), dbSNP rs2520844499, ClinGen allele CA414716466.
Genomic context (GRCh38, chrX:134,500,047, plus strand): 5'-GAATATACTTTTTAAATGTGAATTTCTGGATTTTTTTTTATAGCATGTTTGTGTCATTAG[T>G]GAAACTGGAAAAGCAAAATACAAAGCCTAAGATGAGAGTTCAAGTTGAGTTTGGAAACAT-3'
Protein context (NP_000185.1, residues 199-218): FRDLNHVCVI[Ser209Arg]ETGKAKYKA